The following is an entry in ClinVar:

ClinVar aggregate classification (germline): Pathogenic (1 of 4 stars; one submission).

Conditions:
Ataxia-telangiectasia syndrome (AT). Also called: Ataxia telangiectasia (A-T); LOUIS-BAR SYNDROME; Cerebello-oculocutaneous telangiectasia; Immunodeficiency with ataxia telangiectasia; AT, COMPLEMENTATION GROUP C; Ataxia-telangiectasia, complementation group D. Identifiers: Orphanet 100, MedGen C0004135, MONDO:0008840, OMIM 208900.

Submission:

Labcorp Genetics (formerly Invitae), Labcorp
Classification: Pathogenic for Ataxia-telangiectasia syndrome. Last evaluated: 2022-01-28. Review status: criteria provided, single submitter. Criteria: Invitae Variant Classification Sherloc (09022015). Collection method: clinical testing. Allele origin: germline.
Comment: For these reasons, this variant has been classified as Pathogenic. This variant has not been reported in the literature in individuals affected with ATM-related conditions. This variant is not present in population databases (gnomAD no frequency). This sequence change creates a premature translational stop signal (p.Cys620Valfs*5) in the ATM gene. It is expected to result in an absent or disrupted protein product. Loss-of-function variants in ATM are known to be pathogenic (PMID: 23807571, 25614872).

Literature cited by the submitters: PubMed 23807571; PubMed 25614872.

NM_000051.4(ATM):c.1857del (p.Cys620fs)

Gene: ATM (ATM serine/threonine kinase; plus strand). Cytogenetic location: 11q22.3.
Variant type: Deletion.
Coding change: c.1857del on transcript NM_000051.4 (MANE Select); coding-DNA position 1857, one base deleted (C; older notation c.1857delC).
Protein change: p.Cys620fs; shifts the reading frame from cysteine 620.
Molecular consequence: frameshift variant.
Genome position (GRCh38, 1-based): chr11:108,252,871, C deleted. VCF-style (leftmost placement, unchanged base first): chr11-108252870-AC-A. GRCh37 (hg19) VCF-style: chr11-108123597-AC-A.
Other names: c.1857del, p.Cys620fs (NM_001351834.2); short protein forms C620fs.
Identifiers: ClinVar variation 1423915 (VCV001423915.6), dbSNP rs2135354155, ClinGen allele CA2573146737.